The following is an entry in ClinVar:

ClinVar aggregate classification (germline): Uncertain significance (1 of 4 stars; one submission).

Conditions:
Nephronophthisis. Also called: Juvenile Nephronophthisis. Identifiers: Orphanet 655, MedGen C0687120, MONDO:0019005, HP:0000090.

Submission:

Labcorp Genetics (formerly Invitae), Labcorp
Classification: Uncertain significance for Nephronophthisis. Last evaluated: 2023-10-03. Review status: criteria provided, single submitter. Criteria: Invitae Variant Classification Sherloc (09022015). Collection method: clinical testing. Allele origin: germline.
Comment: This sequence change replaces asparagine, which is neutral and polar, with isoleucine, which is neutral and non-polar, at codon 79 of the NPHP1 protein (p.Asn79Ile). This variant is not present in population databases (gnomAD no frequency). This variant has not been reported in the literature in individuals affected with NPHP1-related conditions. ClinVar contains an entry for this variant (Variation ID: 1058183). Advanced modeling of protein sequence and biophysical properties (such as structural, functional, and spatial information, amino acid conservation, physicochemical variation, residue mobility, and thermodynamic stability) performed at Invitae indicates that this missense variant is not expected to disrupt NPHP1 protein function. In summary, the available evidence is currently insufficient to determine the role of this variant in disease. Therefore, it has been classified as a Variant of Uncertain Significance.

NM_001128178.3(NPHP1):c.236A>T (p.Asn79Ile)

Gene: NPHP1 (nephrocystin 1; minus strand). Cytogenetic location: 2q13.
Variant type: single nucleotide variant.
Coding change: c.236A>T on transcript NM_001128178.3 (MANE Select); coding-DNA position 236, A replaced by T.
Protein change: p.Asn79Ile; replaces asparagine 79 with isoleucine.
Molecular consequence: missense variant. On other transcripts: intron variant (1).
Genome position (GRCh38, 1-based): chr2:110,178,516, T>A on the plus strand (A>T on the coding strand, the complement: NPHP1 is on the minus strand). VCF-style: chr2-110178516-T-A. GRCh37 (hg19) VCF-style: chr2-110936093-T-A.
Other names: c.236A>T, p.Asn79Ile (NM_000272.5, NM_001374256.1, NM_001374257.1 and 1 more transcripts); c.144-8518A>T (NM_001128179.3); short protein forms N79I.
Identifiers: ClinVar variation 1058183 (VCV001058183.9), dbSNP rs2104612175, ClinGen allele CA348093522.